The following is an entry in ClinVar:

ClinVar aggregate classification (germline): Uncertain significance (1 of 4 stars; one submission).

gnomAD v4.1: 29 of 1,613,988 alleles (0.0018%); highest among the groups gnomAD compares: South Asian, 0.0033%; no homozygotes.

Submission:

CeGaT Center for Human Genetics Tuebingen
Classification: Uncertain significance. Last evaluated: 2025-10-01. Review status: criteria provided, single submitter. Criteria: CeGaT Center For Human Genetics Tuebingen Variant Classification Criteria Version 2. Collection method: clinical testing. Allele origin: germline. Affected: yes. Observed: 1 variant allele.
Comment: TG: PM2, BP4

NM_003235.5(TG):c.3359C>T (p.Ser1120Leu)

Gene: TG (thyroglobulin; plus strand). Cytogenetic location: 8q24.22.
Variant type: single nucleotide variant.
Coding change: c.3359C>T on transcript NM_003235.5 (MANE Select); coding-DNA position 3359, C replaced by T.
Protein change: p.Ser1120Leu; replaces serine 1120 with leucine.
Molecular consequence: missense variant.
Genome position (GRCh38, 1-based): chr8:132,900,265, C>T. VCF-style: chr8-132900265-C-T. GRCh37 (hg19) VCF-style: chr8-133912510-C-T.
Other names: short protein forms S1120L.
Identifiers: ClinVar variation 4534060 (VCV004534060.6).